The following is an entry in ClinVar:

NM_001127511.3(APC):c.52C>G (p.Pro18Ala)

Gene: APC (APC regulator of Wnt signaling pathway; plus strand). Cytogenetic location: 5q22.2.
Variant type: single nucleotide variant.
Coding change: c.52C>G on transcript NM_001127511.3; coding-DNA position 52, C replaced by G.
Protein change: p.Pro18Ala; replaces proline 18 with alanine.
Molecular consequence: missense variant. On other transcripts: 5 prime UTR variant (8), non-coding transcript variant (1), intron variant (5).
Genome position (GRCh38, 1-based): chr5:112,707,769, C>G. VCF-style: chr5-112707769-C-G. GRCh37 (hg19) VCF-style: chr5-112043466-C-G.
Other names: c.-132C>G (NM_001354895.2, NM_001407447.1, NM_001407452.1 and 3 more transcripts); c.52C>G, p.Pro18Ala (NM_001354897.2, NM_001354902.2, NM_001407446.1); c.-1167C>G (NM_001407470.1, NM_001407472.1); c.-19+120C>G (NM_001407448.1, NM_001407450.1, NM_001407457.1 and 1 more transcripts); c.-43+120C>G (NM_001407453.1); short protein forms P18A.
Identifiers: ClinVar variation 1399168 (VCV001399168.6), dbSNP rs2149630710, ClinGen allele CA360611779.
Genomic context (GRCh38, chr5:112,707,769, plus strand): 5'-GCGCCCCCTATGTACGCCTCCCTGGGCTCGGGTCCGGTCGCCCCTTTGCCCGCTTCTGTA[C>G]CACCCTCAGTTCTCGGGTCCTGGAGCACCGGCGGCAGCAGGAGCTGCGTCCGGCAGGAGA-3'

ClinVar aggregate classification (germline): Uncertain significance (1 of 4 stars; one submission).

Conditions:
Familial adenomatous polyposis 1 (FAP1). Also called: FAMILIAL ADENOMATOUS POLYPOSIS 1, ATTENUATED; POLYPOSIS, ADENOMATOUS INTESTINAL. Identifiers: MedGen C2713442, MONDO:0021056, OMIM 175100. Disease mechanism: loss of function.

Submission:

Labcorp Genetics (formerly Invitae), Labcorp
Classification: Uncertain significance for Familial adenomatous polyposis 1. Last evaluated: 2024-11-06. Review status: criteria provided, single submitter. Criteria: Invitae Variant Classification Sherloc (09022015). Collection method: clinical testing. Allele origin: germline.
Comment: This variant occurs in a non-coding region of the APC gene. It does not change the encoded amino acid sequence of the APC protein. This variant is not present in population databases (gnomAD no frequency). This variant has not been reported in the literature in individuals affected with APC-related conditions. Experimental studies and prediction algorithms are not available or were not evaluated, and the functional significance of this variant is currently unknown. In summary, the available evidence is currently insufficient to determine the role of this variant in disease. Therefore, it has been classified as a Variant of Uncertain Significance.